The following is an entry in ClinVar:

NM_004006.3(DMD):c.4769C>T (p.Thr1590Ile)

Gene: DMD (dystrophin; minus strand). Cytogenetic location: Xp21.1.
Variant type: single nucleotide variant.
Coding change: c.4769C>T on transcript NM_004006.3 (MANE Select); coding-DNA position 4769, C replaced by T.
Protein change: p.Thr1590Ile; replaces threonine 1590 with isoleucine.
Molecular consequence: missense variant.
Genome position (GRCh38, 1-based): chrX:32,380,586, G>A on the plus strand (C>T on the coding strand, the complement: DMD is on the minus strand). VCF-style: chrX-32380586-G-A. GRCh37 (hg19) VCF-style: chrX-32398703-G-A.
Other names: c.4745C>T, p.Thr1582Ile (NM_000109.4); c.4757C>T, p.Thr1586Ile (NM_004009.3); c.4400C>T, p.Thr1467Ile (NM_004010.3); c.746C>T, p.Thr249Ile (NM_004011.4); c.737C>T, p.Thr246Ile (NM_004012.4); short protein forms T1467I, T1582I, T1586I, T1590I, T246I, T249I.
Identifiers: ClinVar variation 1014989 (VCV001014989.8), dbSNP rs907514288, ClinGen allele CA327978972.

ClinVar aggregate classification (germline): Uncertain significance. Review status: criteria provided, single submitter (1 of 4 stars). 2 submissions from 2 submitters: Uncertain significance (1). 1 of the submissions does not count toward it. Last evaluated 2025-08-29.

Conditions:
Duchenne muscular dystrophy (DMD). Also called: MUSCULAR DYSTROPHY, PSEUDOHYPERTROPHIC PROGRESSIVE, DUCHENNE TYPE; Duchenne Muscular Dystrophy (DMD). Identifiers: Orphanet 98896, MedGen C0013264, MONDO:0010679, OMIM 310200.
Dystrophin deficiency.
Becker muscular dystrophy (BMD). Also called: MUSCULAR DYSTROPHY, PSEUDOHYPERTROPHIC PROGRESSIVE, BECKER TYPE; Becker Muscular Dystrophy (BMD). Identifiers: Orphanet 98895, MedGen C0917713, MONDO:0010311, OMIM 300376.
Cardiomyopathy (CMYO). Also called: Cardiomyopathies. Identifiers: Orphanet 167848, MedGen C0878544, MONDO:0004994, HP:0001638. Inheritance: Various modes of inheritance.

Allele frequency attached by ClinVar (database versions not stated): gnomAD exomes below 0.00001.
gnomAD v4.1: 1 of 1,209,729 alleles (0.000083%); no homozygotes.

Submissions (2):

Labcorp Genetics (formerly Invitae), Labcorp
Classification: Uncertain significance for Duchenne muscular dystrophy. Last evaluated: 2025-08-29. Review status: criteria provided, single submitter. Criteria: Invitae Variant Classification Sherloc (09022015). Collection method: clinical testing. Allele origin: germline.
Comment: This sequence change replaces threonine, which is neutral and polar, with isoleucine, which is neutral and non-polar, at codon 1590 of the DMD protein (p.Thr1590Ile). This variant is not present in population databases (gnomAD no frequency). This variant has not been reported in the literature in individuals affected with DMD-related conditions. ClinVar contains an entry for this variant (Variation ID: 1014989). Invitae Evidence Modeling of protein sequence and biophysical properties (such as structural, functional, and spatial information, amino acid conservation, physicochemical variation, residue mobility, and thermodynamic stability) indicates that this missense variant is not expected to disrupt DMD protein function with a negative predictive value of 95%. In summary, the available evidence is currently insufficient to determine the role of this variant in disease. Therefore, it has been classified as a Variant of Uncertain Significance.

Natera, Inc.
Classification: Uncertain significance for Becker muscular dystrophy; Cardiomyopathy; Duchenne muscular dystrophy; Dystrophin deficiency. Last evaluated: 2018-10-04. Review status: no assertion criteria provided. Collection method: clinical testing. Allele origin: germline. Not counted in ClinVar's aggregate classification.